The following is an entry in ClinVar:

ClinVar aggregate classification (germline): Conflicting classifications of pathogenicity. Review status: criteria provided, conflicting classifications (1 of 4 stars). 2 submissions from 2 submitters: Uncertain significance (1); Likely benign (1). Last evaluated 2026-01-11.

Allele frequency attached by ClinVar (database versions not stated): ESP Exome Variant Server 0.00008; gnomAD exomes 0.00012 and 0.00024; gnomAD 0.00014 and 0.00016; TOPMed 0.00015; ExAC 0.00029; 1000 Genomes Project 30x 0.00078; 1000 Genomes Project 0.00080.
gnomAD v4.1: 200 of 1,613,294 alleles (0.012%); highest among the groups gnomAD compares: South Asian, 0.097%; 1 homozygote.

Submissions (2):

Labcorp Genetics (formerly Invitae), Labcorp
Classification: Likely benign. Last evaluated: 2026-01-11. Review status: criteria provided, single submitter. Criteria: Invitae Variant Classification Sherloc (09022015). Collection method: clinical testing. Allele origin: germline.

GeneDx
Classification: Uncertain significance. Last evaluated: 2023-04-06. Review status: criteria provided, single submitter. Criteria: GeneDx Variant Classification Process June 2021. Collection method: clinical testing. Allele origin: germline. Affected: yes.
Comment: In silico analysis supports that this missense variant does not alter protein structure/function; Reported as a single heterozygous variant in an individual with unsteadiness, cramps, and steppage gait; however the variant did not segregate with disease in other affected family members (Lupo et al., 2018); This variant is associated with the following publications: (PMID: 34480178, 30415211)

NM_007289.4(MME):c.1810G>A (p.Val604Ile)

Gene: MME (membrane metalloendopeptidase; plus strand). Cytogenetic location: 3q25.2.
Variant type: single nucleotide variant.
Coding change: c.1810G>A on transcript NM_007289.4 (MANE Select); coding-DNA position 1810, G replaced by A.
Protein change: p.Val604Ile; replaces valine 604 with isoleucine.
Molecular consequence: missense variant.
Genome position (GRCh38, 1-based): chr3:155,168,521, G>A. VCF-style: chr3-155168521-G-A. GRCh37 (hg19) VCF-style: chr3-154886310-G-A.
Other names: c.1810G>A, p.Val604Ile (NM_000902.5, NM_001354642.2, NM_001354643.1 and 2 more transcripts); c.1810G>A (NM_007289.2); short protein forms V604I.
Identifiers: ClinVar variation 1093425 (VCV001093425.10), dbSNP rs200308077, ClinGen allele CA2675641.
Genomic context (GRCh38, chr3:155,168,521, plus strand): 5'-TTCCCATTTTACTTAAATAAATATATTATAGGCAGAAACTTTAACAAAGATGGAGACCTC[G>A]TTGACTGGTGGACTCAACAGTCTGCAAGTAACTTTAAGGAGCAATCCCAGTGCATGGTGT-3'
Protein context (NP_009220.2, residues 594-614): GRNFNKDGDL[Val604Ile]DWWTQQSASN